The following is an entry in ClinVar:

NM_006005.3(WFS1):c.1692CCTCTT[3] (p.Phe568_Ala569insLeuPhe)

Gene: WFS1 (wolframin ER transmembrane glycoprotein; plus strand). Cytogenetic location: 4p16.1.
Variant type: Microsatellite.
Coding change: c.1692CCTCTT[3] on transcript NM_006005.3 (MANE Select); three copies in a row of the 6-base unit CCTCTT starting at c.1692; the reference has two copies in a row; one copy, 6 bases duplicated.
Protein change: p.Phe568_Ala569insLeuPhe.
Genome position (GRCh38, 1-based): chr4:6,301,493-6,301,498, CCTCTT duplicated; duplicating any 6 consecutive bases within chr4:6,301,484-6,301,498 gives the same sequence; the position shown is the placement nearest the transcript's 3' end. VCF-style (leftmost placement, unchanged base first): chr4-6301483-A-ACTTCCT. GRCh37 (hg19) VCF-style: chr4-6303210-A-ACTTCCT.
Other names: c.1692CCTCTT[3], p.Phe568_Ala569insLeuPhe (NM_001145853.1).
Identifiers: ClinVar variation 4781600 (VCV004781600.1).

ClinVar aggregate classification (germline): Uncertain significance (1 of 4 stars; one submission).

Submission:

Labcorp Genetics (formerly Invitae), Labcorp
Classification: Uncertain significance. Last evaluated: 2025-08-23. Review status: criteria provided, single submitter. Criteria: Invitae Variant Classification Sherloc (09022015). Collection method: clinical testing. Allele origin: germline.
Comment: This variant, c.1698_1703dup, results in the insertion of 2 amino acid(s) of the WFS1 protein (p.Leu567_Phe568dup), but otherwise preserves the integrity of the reading frame. This variant is not present in population databases (gnomAD no frequency). This variant has not been reported in the literature in individuals affected with WFS1-related conditions. In summary, the available evidence is currently insufficient to determine the role of this variant in disease. Therefore, it has been classified as a Variant of Uncertain Significance.